The following is an entry in ClinVar:

ClinVar aggregate classification (germline): Uncertain significance (1 of 4 stars; one submission).

Conditions:
Familial hemophagocytic lymphohistiocytosis 2 (FHL2). Also called: PRF1-Related Familial Hemophagocytic Lymphohistiocytosis (PRF1-fHLH). Identifiers: Orphanet 540, MedGen C1863727, MONDO:0011337, OMIM 603553.

Submission:

Neuberg Centre For Genomic Medicine, NCGM
Classification: Uncertain significance for Familial hemophagocytic lymphohistiocytosis 2. Last evaluated: 2023-05-20. Review status: criteria provided, single submitter. Criteria: ACMG Guidelines, 2015. Collection method: clinical testing. Allele origin: germline. Inheritance: Autosomal recessive inheritance. Affected: yes.
Comment: The missense variant c.647T>C(p.Ile216Thr) in PRF1 gene has not been reported previously as a pathogenic variant nor as a benign variant, to our knowledge. The observed variant is absent in gnomAD exomes database. This variant has not been submitted to the ClinVar database. The amino acid change p.Ile216Thr in PRF1 is predicted as conserved by GERP++ and PhyloP across 100 vertebrates. Multiple lines of computational evidence (Polyphen - probably damaging , SIFT - damaging and MutationTaster - disease causing) predict a damaging effect on protein structure and function for this variant. The amino acid Ile at position 216 ischanged to a Thr changing protein sequence and it might alter its composition and physico-chemical properties. For these reasons, this variant has been classified as Uncertain Significance (VUS).

NM_001083116.3(PRF1):c.647T>C (p.Ile216Thr)

Gene: PRF1 (perforin 1; minus strand). Cytogenetic location: 10q22.1.
Variant type: single nucleotide variant.
Coding change: c.647T>C on transcript NM_001083116.3 (MANE Select); coding-DNA position 647, T replaced by C.
Protein change: p.Ile216Thr; replaces isoleucine 216 with threonine.
Molecular consequence: missense variant.
Genome position (GRCh38, 1-based): chr10:70,599,074, A>G on the plus strand (T>C on the coding strand, the complement: PRF1 is on the minus strand). VCF-style: chr10-70599074-A-G. GRCh37 (hg19) VCF-style: chr10-72358830-A-G.
Other names: c.647T>C, p.Ile216Thr (NM_005041.6); short protein forms I216T.
Identifiers: ClinVar variation 3341404 (VCV003341404.1).